The following is an entry in ClinVar:

Conditions:
Mitochondrial encephalomyopathy. Identifiers: MedGen C0162666, MONDO:0004675.

Allele frequency attached by ClinVar (database versions not stated): gnomAD 0.00001; gnomAD exomes 0.00001; TOPMed 0.00001.
gnomAD v4.1: 20 of 1,537,154 alleles (0.0013%); highest among the groups gnomAD compares: Non-Finnish European, 0.0017%; no homozygotes.

Submission:

Department of Toxicogenomics, Maastricht University
No classification provided (evidence only). Condition: Mitochondrial encephalomyopathy. Last evaluated: 2020-11-25. Review status: no classification provided. Criteria: ACMG Guidelines, 2015. Collection method: in vitro. Allele origin: not applicable. Inheritance: Autosomal recessive inheritance. Functional consequence: RNA degradation by nonsense-mediated decay.
Comment: "Likely pathogenic" was previously submitted as the classification for the variant. However, the classification appeared to be based only on an observation of functional data so it was converted to no classification on 2025-07-30.

NM_031210.6(SLIRP):c.98-178A>G

Gene: SLIRP (SRA stem-loop interacting RNA binding protein; plus strand). Cytogenetic location: 14q24.3.
Variant type: single nucleotide variant.
Coding change: c.98-178A>G on transcript NM_031210.6 (MANE Select); 178 bases into the intron before coding-DNA position 98, A replaced by G.
Molecular consequence: intron variant. On other transcripts: non-coding transcript variant (1).
Genome position (GRCh38, 1-based): chr14:77,710,660, A>G. VCF-style: chr14-77710660-A-G. GRCh37 (hg19) VCF-style: chr14-78177003-A-G.
Other names: c.98-178A>G (NM_001267864.1, NM_001267863.1).
Identifiers: ClinVar variation 1027547 (VCV001027547.3), dbSNP rs1402362539, ClinGen allele CA708798936.